The following is an entry in ClinVar:

NM_138295.5(PKD1L1):c.4940T>A (p.Ile1647Lys)

Gene: PKD1L1 (polycystin 1 like 1, transient receptor potential channel interacting; minus strand). Cytogenetic location: 7p12.3.
Variant type: single nucleotide variant.
Coding change: c.4940T>A on transcript NM_138295.5 (MANE Select); coding-DNA position 4940, T replaced by A.
Protein change: p.Ile1647Lys; replaces isoleucine 1647 with lysine.
Molecular consequence: missense variant.
Genome position (GRCh38, 1-based): chr7:47,853,147, A>T on the plus strand (T>A on the coding strand, the complement: PKD1L1 is on the minus strand). VCF-style: chr7-47853147-A-T. GRCh37 (hg19) VCF-style: chr7-47892745-A-T.
Other names: short protein forms I1647K.
Identifiers: ClinVar variation 2663702 (VCV002663702.2), dbSNP rs150396842, ClinGen allele CA367465931.

ClinVar aggregate classification (germline): Uncertain significance (1 of 4 stars; one submission).

gnomAD v4.1: 2 of 1,612,144 alleles (0.00012%); highest among the groups gnomAD compares: African/African-American, 0.0013%; no homozygotes.

Submission:

GeneDx
Classification: Uncertain significance. Last evaluated: 2026-02-02. Review status: criteria provided, single submitter. Criteria: GeneDx Variant Classification Process June 2021. Collection method: clinical testing. Allele origin: germline.
Comment: Not observed at significant frequency in large population cohorts (gnomAD); In silico analysis supports that this missense variant has a deleterious effect on protein structure/function; Has not been previously published as pathogenic or benign to our knowledge